The following is an entry in ClinVar:

ClinVar aggregate classification (germline): Uncertain significance (1 of 4 stars; one submission).

Submission:

Ambry Genetics
Classification: Uncertain significance. Last evaluated: 2025-04-20. Review status: criteria provided, single submitter. Criteria: Ambry Variant Classification Scheme 2023. Collection method: clinical testing. Allele origin: germline.
Comment: The p.K414R variant (also known as c.1241A>G), located in coding exon 5 of the WNK2 gene, results from an A to G substitution at nucleotide position 1241. The lysine at codon 414 is replaced by arginine, an amino acid with highly similar properties. This amino acid position is conserved. In addition, the in silico prediction for this alteration is inconclusive. Based on the available evidence, the clinical significance of this variant remains unclear.

NM_006648.4(WNK2):c.1241A>G (p.Lys414Arg)

Gene: WNK2 (WNK lysine deficient protein kinase 2; plus strand). Cytogenetic location: 9q22.31.
Variant type: single nucleotide variant.
Coding change: c.1241A>G on transcript NM_006648.4 (MANE Select); coding-DNA position 1241, A replaced by G.
Protein change: p.Lys414Arg; replaces lysine 414 with arginine.
Molecular consequence: missense variant.
Genome position (GRCh38, 1-based): chr9:93,238,240, A>G. VCF-style: chr9-93238240-A-G. GRCh37 (hg19) VCF-style: chr9-96000522-A-G.
Other names: c.1241A>G, p.Lys414Arg (NM_001282394.3); short protein forms K414R.
Identifiers: ClinVar variation 3981929 (VCV003981929.1).
Genomic context (GRCh38, chr9:93,238,240, plus strand): 5'-CCTCGCCTTCCGGCAGCCGATCGGGTCAGGTAACTCTGCTCTCTCCCTGTCAGGGTATCA[A>G]GCCGGCCAGCTTTGAGAAAGTGCACGATCCTGAAATCAAGGAGATTATTGGGGAGTGTAT-3'
Protein context (NP_006639.3, residues 404-424): QIYRKVTCGI[Lys414Arg]PASFEKVHDP